The following is an entry in ClinVar:

ClinVar aggregate classification (germline): Likely benign. Review status: reviewed by expert panel (3 of 4 stars). 2 submissions from 2 submitters: Likely benign (1). 1 of the submissions does not count toward it. Last evaluated 2017-06-29.

Conditions:
Breast-ovarian cancer, familial, susceptibility to, 1 (BROVCA1). Also called: BRCA1 Hereditary Breast and Ovarian Cancer; OVARIAN CANCER, SUSCEPTIBILITY TO. Identifiers: Orphanet 145, MedGen C2676676, MONDO:0011450, OMIM 604370. Disease mechanism: loss of function.

Submissions (2):

Evidence-based Network for the Interpretation of Germline Mutant Alleles (ENIGMA)
Classification: Likely benign for Breast-ovarian cancer, familial, susceptibility to, 1. Last evaluated: 2017-06-29. Review status: reviewed by expert panel. Criteria: ENIGMA BRCA1/2 Classification Criteria (2017-06-29). Collection method: curation. Allele origin: germline.
Comment: Synonymous substitution variant, with low bioinformatic likelihood to result in a splicing aberration (Splicing prior probability 0.02).

Department of Medical Genetics, University Hospital of North Norway
Classification: Likely benign for Breast-ovarian cancer, familial, susceptibility to, 1. Last evaluated: 2016-05-01. Review status: no assertion criteria provided. Collection method: clinical testing. Allele origin: germline. Affected: yes. Observed: 1 variant allele. Not counted in ClinVar's aggregate classification.

Literature cited by the submitters: PubMed 27495310 (cited by Department of Medical Genetics, University Hospital of North Norway).

NM_007294.4(BRCA1):c.486G>T (p.Val162=)

Gene: BRCA1 (BRCA1 DNA repair associated; minus strand). Cytogenetic location: 17q21.31.
Variant type: single nucleotide variant.
Coding change: c.486G>T on transcript NM_007294.4 (MANE Select); coding-DNA position 486, G replaced by T.
Protein change: p.Val162=; no amino-acid change (valine 162 retained).
Molecular consequence: synonymous variant. On other transcripts: intron variant (2).
Genome position (GRCh38, 1-based): chr17:43,099,836, C>A on the plus strand (G>T on the coding strand, the complement: BRCA1 is on the minus strand). VCF-style: chr17-43099836-C-A. GRCh37 (hg19) VCF-style: chr17-41251853-C-A.
Other names: c.273G>T, p.Val91= (NM_001407571.1, NM_001407853.1, NM_001407894.1 and 18 more transcripts); c.486G>T, p.Val162= (NM_001407581.1, NM_001407582.1, NM_001407583.1 and 97 more transcripts); c.483G>T, p.Val161= (NM_001407587.1, NM_001407590.1, NM_001407591.1 and 65 more transcripts); c.477G>T, p.Val159= (NM_001407646.1, NM_001407647.1, NM_001408408.1); c.408G>T, p.Val136= (NM_001407653.1, NM_001407654.1, NM_001407655.1 and 12 more transcripts); c.405G>T, p.Val135= (NM_001407659.1, NM_001407660.1, NM_001407661.1 and 6 more transcripts); c.345G>T, p.Val115= (NM_001407692.1, NM_001407694.1, NM_001407695.1 and 61 more transcripts); c.342G>T, p.Val114= (NM_001407740.1, NM_001407741.1, NM_001407742.1 and 35 more transcripts); and 5 more.
Identifiers: ClinVar variation 254640 (VCV000254640.4), dbSNP rs769213707, ClinGen allele CA10586679.
Genomic context (GRCh38, chr17:43,099,836, plus strand): 5'-CAATTCAATGTAGACAGACGTCTTTTGAGGTTGTATCCGCTGCTTTGTCCTCAGAGTTCT[C>A]ACAGTTCCAAGGTTAGAGAGTTGGACACTGAGACTGGTTTCCTGCTAAACAGTATGGTAA-3'
Protein context (NP_009225.1, residues 152-172): LSVQLSNLGT[Val162=]RTLRTKQRIQ